The following is an entry in ClinVar:

NM_001363711.2(DUOX2):c.3693+1G>T

Gene: DUOX2 (dual oxidase 2; minus strand). Cytogenetic location: 15q21.1.
Variant type: single nucleotide variant.
Coding change: c.3693+1G>T on transcript NM_001363711.2 (MANE Select); the canonical splice donor site of the intron after coding-DNA position 3693, G replaced by T.
Molecular consequence: splice donor variant.
Genome position (GRCh38, 1-based): chr15:45,097,613, C>A on the plus strand (G>T on the coding strand, the complement: DUOX2 is on the minus strand). VCF-style: chr15-45097613-C-A. GRCh37 (hg19) VCF-style: chr15-45389811-C-A.
Other names: c.3693+1G>T (NM_014080.5, NM_014080.4).
Identifiers: ClinVar variation 1065943 (VCV001065943.19), dbSNP rs200717240, ClinGen allele CA7537771.

ClinVar aggregate classification (germline): Pathogenic/Likely pathogenic. Review status: criteria provided, multiple submitters, no conflicts (2 of 4 stars). 7 submissions from 7 submitters: Pathogenic (5); Likely pathogenic (1). 1 of the submissions does not count toward it. Last evaluated 2026-01-15.

Conditions:
DUOX2-related disorder. Also called: DUOX2-related condition.
Familial thyroid dyshormonogenesis. Identifiers: Orphanet 95716, MedGen C4273748, MONDO:0010132.
Thyroid dyshormonogenesis 6 (TDH6). Also called: THYROID HORMONOGENESIS, GENETIC DEFECT IN, 6; Genetic transient congenital hypothyroidism; HYPOTHYROIDISM, CONGENITAL, DUE TO DYSHORMONOGENESIS, 6. Identifiers: Orphanet 226316, Orphanet 95716, MedGen C1846632, MONDO:0011792, OMIM 607200.

Allele frequency attached by ClinVar (database versions not stated): gnomAD exomes 0.00002 and 0.00010; gnomAD 0.00006 and 0.00008; ExAC 0.00011; TOPMed 0.00011; 1000 Genomes Project 0.00060; 1000 Genomes Project 30x 0.00062.

Submissions (7):

Labcorp Genetics (formerly Invitae), Labcorp
Classification: Pathogenic. Last evaluated: 2026-01-15. Review status: criteria provided, single submitter. Criteria: Invitae Variant Classification Sherloc (09022015). Collection method: clinical testing. Allele origin: germline.
Comment: This sequence change affects a donor splice site in intron 28 of the DUOX2 gene. It is expected to disrupt RNA splicing. Variants that disrupt the donor or acceptor splice site typically lead to a loss of protein function (PMID: 16199547), and loss-of-function variants in DUOX2 are known to be pathogenic (PMID: 12110737, 18765513, 21565790, 24423310, 24735383). This variant is present in population databases (rs200717240, gnomAD 0.2%). Disruption of this splice site has been observed in individual(s) with congenital hypothyroidism (PMID: 27498126, 29650690, 30154845, 32319661, 33310921). In at least one individual the data is consistent with being in trans (on the opposite chromosome) from a pathogenic variant. ClinVar contains an entry for this variant (Variation ID: 1065943). Algorithms developed to predict the effect of sequence changes on RNA splicing suggest that this variant may disrupt the consensus splice site. For these reasons, this variant has been classified as Pathogenic.

GeneDx
Classification: Pathogenic. Last evaluated: 2025-09-17. Review status: criteria provided, single submitter. Criteria: GeneDx Variant Classification Process June 2021. Collection method: clinical testing. Allele origin: germline. Affected: yes.
Comment: Canonical splice site variant predicted to result in a null allele in a gene for which loss of function is a known mechanism of disease; Also known as c.3896+1 G>T; This variant is associated with the following publications: (PMID: 31044655, 34200080, 33310921, 34564849, 32469330, 38105685, 30154845, 27557340, 30508507, 29650690, 32319661, 33651715, 37390946, 27498126)

Fulgent Genetics
Classification: Pathogenic for Thyroid dyshormonogenesis 6. Last evaluated: 2024-04-11. Review status: criteria provided, single submitter. Criteria: ACMG Guidelines, 2015. Collection method: clinical testing. Allele origin: germline.

Department of Pathology and Laboratory Medicine, Sinai Health System
Classification: Pathogenic for Familial thyroid dyshormonogenesis; Thyroid dyshormonogenesis 6. Last evaluated: 2023-08-17. Review status: criteria provided, single submitter. Criteria: ACMG Guidelines, 2015. Collection method: research. Allele origin: germline.

Revvity Omics, Revvity
Classification: Likely pathogenic for Thyroid dyshormonogenesis 6. Last evaluated: 2023-03-02. Review status: criteria provided, single submitter. Criteria: ACMG Guidelines, 2015. Collection method: clinical testing. Allele origin: germline.

Juno Genomics, Hangzhou Juno Genomics, Inc
Classification: Pathogenic for Thyroid dyshormonogenesis 6. Review status: criteria provided, single submitter. Criteria: ACMG Guidelines, 2015. Collection method: clinical testing. Allele origin: germline.
Comment: Null variant in a gene where loss of function (LOF) is a known mechanism of disease.;Patient's phenotype or family history is highly specific for a disease with a single genetic etiology.;For recessive disorders, detected in trans with a pathogenic variant.

PreventionGenetics, part of Exact Sciences
Classification: Pathogenic for DUOX2-related condition. Last evaluated: 2024-09-16. Review status: no assertion criteria provided. Collection method: clinical testing. Allele origin: germline. Not counted in ClinVar's aggregate classification.
Comment: The DUOX2 c.3693+1G>T variant is predicted to disrupt the GT donor site and interfere with normal splicing. This variant (also reported as c.3896+1G>T and IVS28+1G>T) has been reported in compound heterozygous individuals presenting with hypothyroidism (Table S5, Chen et al. 2018. PubMed ID: 30154845; Patient 43, Table 1, Wang et al. 2020. PubMed ID: 32319661; Family 17, Table 3, Sorapipatcharoen et al. 2020. PubMed ID: 33310921 ). This variant has also been reported in individuals with hypothyroidism in the heterozygous state with no apparent second variant (Jiang et al. 2016. PubMed ID: 27498126; Table S2, Sun et al. 2018. PubMed ID: 29650690). This variant is reported in 0.16% of alleles in individuals of East Asian descent in gnomAD. Variants that disrupt the consensus splice donor site in DUOX2 are expected to be pathogenic. This variant is interpreted as pathogenic.

Literature cited by the submitters: PubMed 16199547 (cited by Labcorp Genetics (formerly Invitae), Labcorp); PubMed 12110737 (cited by Labcorp Genetics (formerly Invitae), Labcorp); PubMed 18765513 (cited by Labcorp Genetics (formerly Invitae), Labcorp); PubMed 21565790 (cited by Labcorp Genetics (formerly Invitae), Labcorp); PubMed 24423310 (cited by Labcorp Genetics (formerly Invitae), Labcorp); PubMed 24735383 (cited by Labcorp Genetics (formerly Invitae), Labcorp); PubMed 27498126 (cited by Labcorp Genetics (formerly Invitae), Labcorp); PubMed 29650690 (cited by Labcorp Genetics (formerly Invitae), Labcorp); PubMed 30154845 (cited by Labcorp Genetics (formerly Invitae), Labcorp); PubMed 32319661 (cited by Labcorp Genetics (formerly Invitae), Labcorp); PubMed 33310921 (cited by Labcorp Genetics (formerly Invitae), Labcorp).